The following is an entry in ClinVar:

ClinVar aggregate classification (germline): Pathogenic (1 of 4 stars; one submission).

Conditions:
Wilson disease (WND). Also called: Wilson's disease. Identifiers: Orphanet 905, MedGen C0019202, MONDO:0010200, OMIM 277900. Disease mechanism: loss of function.

Submission:

Myriad Genetics, Inc.
Classification: Pathogenic for Wilson disease. Last evaluated: 2024-07-04. Review status: criteria provided, single submitter. Criteria: Myriad Autosomal Dominant, Autosomal Recessive and X-Linked Classification Criteria (2023). Collection method: clinical testing. Allele origin: unknown.
Comment: NM_000053.3(ATP7B):c.1596T>G(Y532*) is expected to be pathogenic in the context of Wilson disease. This variant is predicted to lead to an abnormal or absent protein product due to the creation of a premature termination codon in ATP7B, a gene where loss-of-function variants are known to be pathogenic. Please note: this variant was assessed in the context of healthy population screening.

NM_000053.4(ATP7B):c.1596T>G (p.Tyr532Ter)

Gene: ATP7B (ATPase copper transporting beta; minus strand). Cytogenetic location: 13q14.3.
Variant type: single nucleotide variant.
Coding change: c.1596T>G on transcript NM_000053.4 (MANE Select); coding-DNA position 1596, T replaced by G.
Protein change: p.Tyr532Ter; replaces tyrosine 532 with a stop codon.
Molecular consequence: nonsense. On other transcripts: intron variant (1).
Genome position (GRCh38, 1-based): chr13:51,968,555, A>C on the plus strand (T>G on the coding strand, the complement: ATP7B is on the minus strand). VCF-style: chr13-51968555-A-C. GRCh37 (hg19) VCF-style: chr13-52542691-A-C.
Other names: c.1596T>G, p.Tyr532Ter (NM_001005918.3, NM_001330578.2, NM_001330579.2 and 26 more transcripts); c.1263T>G, p.Tyr421Ter (NM_001243182.2); c.1563T>G, p.Tyr521Ter (NM_001406514.1, NM_001406524.1); c.1500T>G, p.Tyr500Ter (NM_001406517.1, NM_001406518.1, NM_001406530.1 and 3 more transcripts); c.1167T>G, p.Tyr389Ter (NM_001406539.1); c.1285+5380T>G (NM_001406548.1); short protein forms Y389*, Y421*, Y500*, Y521*, Y532*.
Identifiers: ClinVar variation 5013278 (VCV005013278.1).